The following is an entry in ClinVar:

ClinVar aggregate classification (germline): Uncertain significance (1 of 4 stars; one submission).

Conditions:
Immunodeficiency 35 (IMD35). Also called: TYK2 DEFICIENCY; HIES WITH ATYPICAL MYCOBACTERIOSIS, AUTOSOMAL RECESSIVE; HYPER-IgE SYNDROME WITH ATYPICAL MYCOBACTERIOSIS, AUTOSOMAL RECESSIVE; Susceptibility to infection due to TYK2 deficiency. Identifiers: Orphanet 331226, MedGen C1969086, MONDO:0012682, OMIM 611521.

Submission:

Labcorp Genetics (formerly Invitae), Labcorp
Classification: Uncertain significance for Immunodeficiency 35. Last evaluated: 2024-11-04. Review status: criteria provided, single submitter. Criteria: Invitae Variant Classification Sherloc (09022015). Collection method: clinical testing. Allele origin: germline.
Comment: This sequence change replaces valine, which is neutral and non-polar, with alanine, which is neutral and non-polar, at codon 981 of the TYK2 protein (p.Val981Ala). This variant is not present in population databases (gnomAD no frequency). This variant has not been reported in the literature in individuals affected with TYK2-related conditions. Invitae Evidence Modeling of protein sequence and biophysical properties (such as structural, functional, and spatial information, amino acid conservation, physicochemical variation, residue mobility, and thermodynamic stability) indicates that this missense variant is expected to disrupt TYK2 protein function with a positive predictive value of 80%. In summary, the available evidence is currently insufficient to determine the role of this variant in disease. Therefore, it has been classified as a Variant of Uncertain Significance.

NM_003331.5(TYK2):c.2942T>C (p.Val981Ala)

Gene: TYK2 (tyrosine kinase 2; minus strand). Cytogenetic location: 19p13.2.
Variant type: single nucleotide variant.
Coding change: c.2942T>C on transcript NM_003331.5 (MANE Select); coding-DNA position 2942, T replaced by C.
Protein change: p.Val981Ala; replaces valine 981 with alanine.
Molecular consequence: missense variant.
Genome position (GRCh38, 1-based): chr19:10,353,613, A>G on the plus strand (T>C on the coding strand, the complement: TYK2 is on the minus strand). VCF-style: chr19-10353613-A-G. GRCh37 (hg19) VCF-style: chr19-10464289-A-G.
Other names: c.2816T>C, p.Val939Ala (NM_001385206.1); c.2924T>C, p.Val975Ala (NM_001385207.1); c.2942T>C, p.Val981Ala (NM_001406461.1, NM_001385197.1, NM_001385198.1); c.2756T>C, p.Val919Ala (NM_001385199.1); c.2939T>C, p.Val980Ala (NM_001385200.1); c.2744T>C, p.Val915Ala (NM_001385201.1); c.2858T>C, p.Val953Ala (NM_001385202.1); c.3023T>C, p.Val1008Ala (NM_001385203.1); and 2 more; short protein forms V1008A, V919A, V939A, V980A, V915A, V951A, V1051A, V953A.
Identifiers: ClinVar variation 3670904 (VCV003670904.2).
Genomic context (GRCh38, chr19:10,353,613, plus strand): 5'-AGCAGCTGGGCCAGCCCGATGCTGTGCCGGGGCAGGTAGTCTCGGAGGCTGCCCAGGGGC[A>G]CGTACTCCATGACCAGCTGCAGCGACTTCTCGCCTGCCGCGGAGAGGGGCGGCCCCGGTG-3'
Protein context (NP_003322.3, residues 971-991): EKSLQLVMEY[Val981Ala]PLGSLRDYLP